The following is an entry in ClinVar:

NM_001273.5(CHD4):c.908C>T (p.Ser303Phe)

Gene: CHD4 (chromodomain helicase DNA binding protein 4; minus strand). Cytogenetic location: 12p13.31.
Variant type: single nucleotide variant.
Coding change: c.908C>T on transcript NM_001273.5 (MANE Select); coding-DNA position 908, C replaced by T.
Protein change: p.Ser303Phe; replaces serine 303 with phenylalanine.
Molecular consequence: missense variant.
Genome position (GRCh38, 1-based): chr12:6,600,945, G>A on the plus strand (C>T on the coding strand, the complement: CHD4 is on the minus strand). VCF-style: chr12-6600945-G-A. GRCh37 (hg19) VCF-style: chr12-6710111-G-A.
Other names: c.887C>T, p.Ser296Phe (NM_001297553.2); c.908C>T, p.Ser303Phe (NM_001363606.2); short protein forms S303F, S296F.
Identifiers: ClinVar variation 4855791 (VCV004855791.1), dbSNP rs267603638.

ClinVar aggregate classification (germline): Uncertain significance (1 of 4 stars; one submission).

Conditions:
Sifrim-Hitz-Weiss syndrome (SIHIWES). Also called: SIFRIM-HITZ-WEISS MULTIPLE CONGENITAL ANOMALIES-MENTAL RETARDATION SYNDROME; CHD4 Neurodevelopmental Disorder. Identifiers: Orphanet 653712, MedGen C4310688, MONDO:0014946, OMIM 617159.

Submission:

3billion
Classification: Uncertain significance for Sifrim-Hitz-Weiss syndrome. Last evaluated: 2026-01-21. Review status: criteria provided, single submitter. Criteria: ACMG Guidelines, 2015. Collection method: clinical testing. Allele origin: germline. Affected: yes.
Comment: The variant is not observed in the gnomAD v4.1.0 dataset. Predicted Consequence/Location: Missense variant. Missense changes are a common disease-causing mechanism. Therefore, this variant is classified as VUS according to the recommendation of ACMG/AMP guideline.